The following is an entry in ClinVar:

ClinVar aggregate classification (germline): Uncertain significance (1 of 4 stars; one submission).

Conditions:
Wilson disease (WND). Also called: Wilson's disease. Identifiers: Orphanet 905, MedGen C0019202, MONDO:0010200, OMIM 277900. Disease mechanism: loss of function.

gnomAD v4.1: 7 of 1,614,076 alleles (0.00043%); highest among the groups gnomAD compares: Middle Eastern, 0.033%; no homozygotes.

Submission:

Color Diagnostics, LLC DBA Color Health
Classification: Uncertain significance for Wilson disease. Last evaluated: 2025-07-17. Review status: criteria provided, single submitter. Criteria: ACMG Guidelines, 2015. Collection method: clinical testing. Allele origin: germline.
Comment: This missense variant replaces alanine with threonine at codon 297 of the ATP7B protein. Computational prediction is inconclusive regarding the impact of this variant on protein structure and function. To our knowledge, functional studies have not been reported for this variant. This variant has not been reported in individuals affected with ATP7B-related disorders in the literature. This variant has been identified in 1/248692 chromosomes in the general population by the Genome Aggregation Database (gnomAD). The available evidence is insufficient to determine the role of this variant in disease conclusively. Therefore, this variant is classified as a Variant of Uncertain Significance.

NM_000053.4(ATP7B):c.889G>A (p.Ala297Thr)

Gene: ATP7B (ATPase copper transporting beta; minus strand). Cytogenetic location: 13q14.3.
Variant type: single nucleotide variant.
Coding change: c.889G>A on transcript NM_000053.4 (MANE Select); coding-DNA position 889, G replaced by A.
Protein change: p.Ala297Thr; replaces alanine 297 with threonine.
Molecular consequence: missense variant. On other transcripts: intron variant (2).
Genome position (GRCh38, 1-based): chr13:51,974,331, C>T on the plus strand (G>A on the coding strand, the complement: ATP7B is on the minus strand). VCF-style: chr13-51974331-C-T. GRCh37 (hg19) VCF-style: chr13-52548467-C-T.
Other names: c.889G>A, p.Ala297Thr (NM_001406521.1, NM_001406522.1, NM_001406523.1 and 29 more transcripts); c.793G>A, p.Ala265Thr (NM_001406530.1, NM_001406517.1, NM_001406518.1 and 3 more transcripts); c.802+87G>A (NM_001243182.2); c.706+87G>A (NM_001406539.1); short protein forms A265T, A297T.
Identifiers: ClinVar variation 4757763 (VCV004757763.1).